The following is an entry in ClinVar:

NM_203447.4(DOCK8):c.5962-16_5962-8del

Gene: DOCK8 (dedicator of cytokinesis 8; plus strand). Cytogenetic location: 9p24.3.
Variant type: Deletion.
Coding change: c.5962-16_5962-8del on transcript NM_203447.4 (MANE Select); 16 bases into the intron before coding-DNA position 5962 through 8 bases into the intron before coding-DNA position 5962, 9 bases deleted (TTTTTTTTC; older notation c.5962-16_5962-8delTTTTTTTTC).
Molecular consequence: intron variant.
Genome position (GRCh38, 1-based): chr9:451,995-452,003, TTTTTTTTC deleted. VCF-style (leftmost placement, unchanged base first): chr9-451994-TTTTTTTTTC-T. GRCh37 (hg19) VCF-style: chr9-451994-TTTTTTTTTC-T.
Other names: c.5962-16_5962-8delTTTTTTTTC (NM_203447.3); c.5758-16_5758-8del (NM_001193536.2); c.5662-16_5662-8del (NM_001190458.2).
Identifiers: ClinVar variation 536611 (VCV000536611.35), dbSNP rs767478064, ClinGen allele CA4959630.

ClinVar aggregate classification (germline): Likely benign. Review status: criteria provided, multiple submitters, no conflicts (2 of 4 stars). 2 submissions from 2 submitters: Likely benign (2). Last evaluated 2025-06-14.

Conditions:
Combined immunodeficiency due to DOCK8 deficiency (HIES2). Also called: HIES autosomal recessive; Hyper-IgE recurrent infection syndrome, autosomal recessive; DOCK8 Deficiency; HYPER-IgE RECURRENT INFECTION SYNDROME 2, AUTOSOMAL RECESSIVE; HYPER-IgE SYNDROME 2, AUTOSOMAL RECESSIVE, WITH RECURRENT INFECTIONS. Identifiers: Orphanet 217390, MedGen C4722305, MONDO:0009478, OMIM 243700.

Allele frequency attached by ClinVar (database versions not stated): ExAC 0.00080; gnomAD exomes 0.00025; gnomAD 0.00075 and 0.00078.

Submissions (2):

Labcorp Genetics (formerly Invitae), Labcorp
Classification: Likely benign for Combined immunodeficiency due to DOCK8 deficiency. Last evaluated: 2025-06-14. Review status: criteria provided, single submitter. Criteria: Invitae Variant Classification Sherloc (09022015). Collection method: clinical testing. Allele origin: germline.

CeGaT Center for Human Genetics Tuebingen
Classification: Likely benign. Last evaluated: 2023-04-01. Review status: criteria provided, single submitter. Criteria: CeGaT Center For Human Genetics Tuebingen Variant Classification Criteria Version 2. Collection method: clinical testing. Allele origin: germline. Affected: yes. Observed: 1 variant allele.
Comment: DOCK8: BP4